The following is an entry in ClinVar:

NM_001211.6(BUB1B):c.1876A>G (p.Met626Val)

Gene: BUB1B (BUB1 mitotic checkpoint serine/threonine kinase B; plus strand). Cytogenetic location: 15q15.1.
Variant type: single nucleotide variant.
Coding change: c.1876A>G on transcript NM_001211.6 (MANE Select); coding-DNA position 1876, A replaced by G.
Protein change: p.Met626Val; replaces methionine 626 with valine.
Molecular consequence: missense variant.
Genome position (GRCh38, 1-based): chr15:40,206,325, A>G. VCF-style: chr15-40206325-A-G. GRCh37 (hg19) VCF-style: chr15-40498526-A-G.
Other names: short protein forms M626V.
Identifiers: ClinVar variation 1781779 (VCV001781779.3), dbSNP rs184449375, ClinGen allele CA268798097.

ClinVar aggregate classification (germline): Uncertain significance (1 of 4 stars; one submission).

Conditions:
Inborn genetic diseases. Identifiers: MedGen C0950123, MeSH D030342.

Allele frequency attached by ClinVar (database versions not stated): 1000 Genomes Project 30x 0.00016; 1000 Genomes Project 0.00020; gnomAD 0.00001.
gnomAD v4.1: 1 of 1,614,192 alleles (0.000062%); highest among the groups gnomAD compares: East Asian, 0.0022%; no homozygotes.

Submission:

Ambry Genetics
Classification: Uncertain significance for Inborn genetic diseases. Last evaluated: 2025-06-21. Review status: criteria provided, single submitter. Criteria: Ambry Variant Classification Scheme 2023. Collection method: clinical testing. Allele origin: germline.
Comment: The p.M626V variant (also known as c.1876A>G), located in coding exon 15 of the BUB1B gene, results from an A to G substitution at nucleotide position 1876. The methionine at codon 626 is replaced by valine, an amino acid with highly similar properties. This amino acid position is conserved. In addition, this alteration is predicted to be tolerated by in silico analysis. Since supporting evidence is limited at this time, the clinical significance of this alteration remains unclear.